The following is an entry in ClinVar:

NM_198271.5(LMOD3):c.633A>C (p.Lys211Asn)

Gene: LMOD3 (leiomodin 3; minus strand). Cytogenetic location: 3p14.1.
Variant type: single nucleotide variant.
Coding change: c.633A>C on transcript NM_198271.5 (MANE Select); coding-DNA position 633, A replaced by C.
Protein change: p.Lys211Asn; replaces lysine 211 with asparagine.
Molecular consequence: missense variant.
Genome position (GRCh38, 1-based): chr3:69,119,722, T>G on the plus strand (A>C on the coding strand, the complement: LMOD3 is on the minus strand). VCF-style: chr3-69119722-T-G. GRCh37 (hg19) VCF-style: chr3-69168873-T-G.
Other names: c.633A>C, p.Lys211Asn (NM_001304418.3); short protein forms K211N.
Identifiers: ClinVar variation 1920059 (VCV001920059.5), dbSNP rs1382761358, ClinGen allele CA353475559.

ClinVar aggregate classification (germline): Uncertain significance (1 of 4 stars; one submission).

Conditions:
Nemaline myopathy 10 (NEM10). Identifiers: MedGen C4015360, MONDO:0014513, OMIM 616165.

Allele frequency attached by ClinVar (database versions not stated): gnomAD 0.00001.

Submission:

Labcorp Genetics (formerly Invitae), Labcorp
Classification: Uncertain significance for Nemaline myopathy 10. Last evaluated: 2022-11-08. Review status: criteria provided, single submitter. Criteria: Invitae Variant Classification Sherloc (09022015). Collection method: clinical testing. Allele origin: germline.
Comment: In summary, the available evidence is currently insufficient to determine the role of this variant in disease. Therefore, it has been classified as a Variant of Uncertain Significance. Algorithms developed to predict the effect of missense changes on protein structure and function output the following: SIFT: "Tolerated"; PolyPhen-2: "Benign"; Align-GVGD: "Class C0". The asparagine amino acid residue is found in multiple mammalian species, which suggests that this missense change does not adversely affect protein function. This variant has not been reported in the literature in individuals affected with LMOD3-related conditions. This variant is present in population databases (no rsID available, gnomAD 0.1%). This sequence change replaces lysine, which is basic and polar, with asparagine, which is neutral and polar, at codon 211 of the LMOD3 protein (p.Lys211Asn).